The following is an entry in ClinVar:

NM_001080517.3(SETD5):c.2705A>G (p.Asn902Ser)

Gene: SETD5 (SET domain containing 5; plus strand). Cytogenetic location: 3p25.3.
Variant type: single nucleotide variant.
Coding change: c.2705A>G on transcript NM_001080517.3 (MANE Select); coding-DNA position 2705, A replaced by G.
Protein change: p.Asn902Ser; replaces asparagine 902 with serine.
Molecular consequence: missense variant.
Genome position (GRCh38, 1-based): chr3:9,464,653, A>G. VCF-style: chr3-9464653-A-G. GRCh37 (hg19) VCF-style: chr3-9506337-A-G.
Other names: c.2411A>G, p.Asn804Ser (NM_001292043.2, NM_001349451.2); c.2801A>G, p.Asn934Ser (NM_001437633.1); c.2762A>G, p.Asn921Ser (NM_001437635.1); c.2705A>G, p.Asn902Ser (NM_001437643.1); c.2744A>G, p.Asn915Ser (NM_001437701.1); short protein forms N804S, N902S, N915S, N921S, N934S.
Identifiers: ClinVar variation 4083439 (VCV004083439.2).

ClinVar aggregate classification (germline): Uncertain significance (1 of 4 stars; one submission).

gnomAD v4.1: 4 of 1,613,908 alleles (0.00025%); highest among the groups gnomAD compares: Non-Finnish European, 0.00034%; no homozygotes.

Submission:

GeneDx
Classification: Uncertain significance. Last evaluated: 2026-07-15. Review status: criteria provided, single submitter. Criteria: GeneDx Variant Classification Process June 2021. Collection method: clinical testing. Allele origin: germline.
Comment: Not observed at significant frequency in large population cohorts (gnomAD); In silico analysis suggests that this missense variant does not alter protein structure/function; Has not been previously published as pathogenic or benign to our knowledge